The following is an entry in ClinVar:

ClinVar aggregate classification (germline): Uncertain significance (1 of 4 stars; one submission).

Allele frequency attached by ClinVar (database versions not stated): gnomAD 0.00001; 1000 Genomes Project 30x 0.00016; gnomAD exomes below 0.00001; 1000 Genomes Project 0.00020; ExAC 0.00001.
gnomAD v4.1: 4 of 1,614,176 alleles (0.00025%); highest among the groups gnomAD compares: Admixed American, 0.0017%; no homozygotes.

Submission:

Labcorp Genetics (formerly Invitae), Labcorp
Classification: Uncertain significance. Last evaluated: 2025-04-09. Review status: criteria provided, single submitter. Criteria: Invitae Variant Classification Sherloc (09022015). Collection method: clinical testing. Allele origin: germline.
Comment: This sequence change replaces alanine, which is neutral and non-polar, with threonine, which is neutral and polar, at codon 852 of the ATP2B2 protein (p.Ala852Thr). This variant is present in population databases (rs566780843, gnomAD 0.003%). This variant has not been reported in the literature in individuals affected with ATP2B2-related conditions. ClinVar contains an entry for this variant (Variation ID: 2897855). Invitae Evidence Modeling of protein sequence and biophysical properties (such as structural, functional, and spatial information, amino acid conservation, physicochemical variation, residue mobility, and thermodynamic stability) indicates that this missense variant is expected to disrupt ATP2B2 protein function with a positive predictive value of 80%. In summary, the available evidence is currently insufficient to determine the role of this variant in disease. Therefore, it has been classified as a Variant of Uncertain Significance.

NM_001001331.4(ATP2B2):c.2689G>A (p.Ala897Thr)

Gene: ATP2B2 (ATPase plasma membrane Ca2+ transporting 2; minus strand). Cytogenetic location: 3p25.3.
Variant type: single nucleotide variant.
Coding change: c.2689G>A on transcript NM_001001331.4 (MANE Select); coding-DNA position 2689, G replaced by A.
Protein change: p.Ala897Thr; replaces alanine 897 with threonine.
Molecular consequence: missense variant.
Genome position (GRCh38, 1-based): chr3:10,345,398, C>T on the plus strand (G>A on the coding strand, the complement: ATP2B2 is on the minus strand). VCF-style: chr3-10345398-C-T. GRCh37 (hg19) VCF-style: chr3-10387082-C-T.
Other names: c.2554G>A, p.Ala852Thr (NM_001330611.3, NM_001353564.1, NM_001363862.1 and 1 more transcripts); short protein forms A897T, A852T.
Identifiers: ClinVar variation 2897855 (VCV002897855.3), dbSNP rs566780843, ClinGen allele CA2253318.